The following is an entry in ClinVar:

ClinVar aggregate classification (germline): Benign. Review status: criteria provided, multiple submitters, no conflicts (2 of 4 stars). 2 submissions from 2 submitters: Benign (2). Last evaluated 2019-08-22.

Allele frequency attached by ClinVar (database versions not stated): 1000 Genomes Project 0.33506; 1000 Genomes Project 30x 0.34104; gnomAD exomes 0.34861 and 0.39850; ExAC 0.35771; TOPMed 0.41556; ESP Exome Variant Server 0.45425.
gnomAD v4.1: 644,836 of 1,613,862 alleles (40%); highest among the groups gnomAD compares: African/African-American, 50%; 134,591 homozygotes.

Submissions (2):

GeneDx
Classification: Benign. Last evaluated: 2019-08-22. Review status: criteria provided, single submitter. Criteria: GeneDx Variant Classification Process June 2021. Collection method: clinical testing. Allele origin: germline. Affected: yes.
Comment: This variant is associated with the following publications: (PMID: 30917570)

Breakthrough Genomics
Classification: Benign. Review status: criteria provided, single submitter. Criteria: ACMG Guidelines, 2015. Collection method: not provided. Allele origin: germline. Inheritance: Unknown mechanism. Affected: yes.

NM_001772.4(CD33):c.205A>G (p.Arg69Gly)

Gene: CD33 (CD33 molecule; plus strand). Cytogenetic location: 19q13.41.
Variant type: single nucleotide variant.
Coding change: c.205A>G on transcript NM_001772.4 (MANE Select); coding-DNA position 205, A replaced by G.
Protein change: p.Arg69Gly; replaces arginine 69 with glycine.
Molecular consequence: missense variant. On other transcripts: intron variant (1).
Genome position (GRCh38, 1-based): chr19:51,225,385, A>G. VCF-style: chr19-51225385-A-G. GRCh37 (hg19) VCF-style: chr19-51728641-A-G.
Other names: c.205A>G, p.Arg69Gly (NM_001177608.2); c.37+230A>G (NM_001082618.2); short protein forms R69G.
Identifiers: ClinVar variation 1225488 (VCV001225488.4), dbSNP rs2455069, ClinGen allele CA9609584.
Genomic context (GRCh38, chr19:51,225,385, plus strand): 5'-TACTACGACAAGAACTCCCCAGTTCATGGTTACTGGTTCCGGGAAGGAGCCATTATATCC[A>G]GGGACTCTCCAGTGGCCACAAACAAGCTAGATCAAGAAGTACAGGAGGAGACTCAGGGCA-3'
Protein context (NP_001763.3, residues 59-79): YWFREGAIIS[Arg69Gly]DSPVATNKLD